The following is an entry in ClinVar:

NM_001126108.2(SLC12A3):c.2467C>T (p.Gln823Ter)

Gene: SLC12A3 (solute carrier family 12 member 3; plus strand). Cytogenetic location: 16q13.
Variant type: single nucleotide variant.
Coding change: c.2467C>T on transcript NM_001126108.2 (MANE Select); coding-DNA position 2467, C replaced by T.
Protein change: p.Gln823Ter; replaces glutamine 823 with a stop codon.
Molecular consequence: nonsense.
Genome position (GRCh38, 1-based): chr16:56,893,000, C>T. VCF-style: chr16-56893000-C-T. GRCh37 (hg19) VCF-style: chr16-56926912-C-T.
Other names: c.2494C>T, p.Gln832Ter (NM_000339.3); c.2491C>T, p.Gln831Ter (NM_001126107.2); c.2464C>T, p.Gln822Ter (NM_001410896.1); short protein forms Q822*, Q831*, Q832*, Q823*.
Identifiers: ClinVar variation 1933724 (VCV001933724.5), dbSNP rs1255277037, ClinGen allele CA395996237.

ClinVar aggregate classification (germline): Pathogenic (1 of 4 stars; one submission).

Allele frequency attached by ClinVar (database versions not stated): gnomAD exomes below 0.00001; gnomAD 0.00001; TOPMed 0.00001.
gnomAD v4.1: 3 of 1,614,120 alleles (0.00019%); highest among the groups gnomAD compares: Non-Finnish European, 0.00025%; no homozygotes.

Submission:

Labcorp Genetics (formerly Invitae), Labcorp
Classification: Pathogenic. Last evaluated: 2026-01-26. Review status: criteria provided, single submitter. Criteria: Invitae Variant Classification Sherloc (09022015). Collection method: clinical testing. Allele origin: germline.
Comment: This sequence change creates a premature translational stop signal (p.Gln832*) in the SLC12A3 gene. It is expected to result in an absent or disrupted protein product. Loss-of-function variants in SLC12A3 are known to be pathogenic (PMID: 20848653, 22009145, 25841442). This variant is not present in population databases (gnomAD no frequency). This variant has not been reported in the literature in individuals affected with SLC12A3-related conditions. ClinVar contains an entry for this variant (Variation ID: 1933724). For these reasons, this variant has been classified as Pathogenic.

Literature cited by the submitters: PubMed 20848653; PubMed 22009145; PubMed 25841442.